The following is an entry in ClinVar:

ClinVar aggregate classification (germline): Uncertain significance (1 of 4 stars; one submission).

Conditions:
Intellectual developmental disorder 61. Also called: INTELLECTUAL DEVELOPMENTAL DISORDER, AUTOSOMAL DOMINANT 61; MENTAL RETARDATION, AUTOSOMAL DOMINANT 61. Identifiers: MedGen C5231400, MONDO:0032485, OMIM 618009.

Submission:

Pittsburgh Clinical Genomics Laboratory, University of Pittsburgh Medical Center
Classification: Uncertain significance for Intellectual developmental disorder 61. Last evaluated: 2023-06-08. Review status: criteria provided, single submitter. Criteria: ACMG Guidelines, 2015. Collection method: clinical testing. Allele origin: germline. Inheritance: Autosomal dominant inheritance. Affected: yes.
Comment: This sequence variant is a single nucleotide substitution (G>C) at position 4740 of the coding sequence of the MED13 gene that results in a glutamine to histidine amino acid change at residue 1580 of the mediator complex subunit 13 protein. This variant is absent from ClinVar and has not been observed in the literature in individuals with MED13-related disease, to our knowledge. This variant is absent from the gnomAD population database (0/~250,000 alleles). Multiple bioinformatic tools predict that this glutamine to histidine amino acid change would be damaging, and the Gln1580 residue at this position is moderately conserved across the vertebrate species examined. Studies examining the functiol consequence of this variant have not been performed, to our knowledge. At this time, there is insufficient evidence to determine if this variant is pathogenic or benign. Therefore, we consider this to be a variant of uncertain significance. ACMG Criteria: PM2, PP3

NM_005121.3(MED13):c.4740G>C (p.Gln1580His)

Gene: MED13 (mediator complex subunit 13; minus strand). Cytogenetic location: 17q23.2.
Variant type: single nucleotide variant.
Coding change: c.4740G>C on transcript NM_005121.3 (MANE Select); coding-DNA position 4740, G replaced by C.
Protein change: p.Gln1580His; replaces glutamine 1580 with histidine.
Molecular consequence: missense variant.
Genome position (GRCh38, 1-based): chr17:61,965,110, C>G on the plus strand (G>C on the coding strand, the complement: MED13 is on the minus strand). VCF-style: chr17-61965110-C-G. GRCh37 (hg19) VCF-style: chr17-60042471-C-G.
Other names: short protein forms Q1580H.
Identifiers: ClinVar variation 3376316 (VCV003376316.1).